The following is an entry in ClinVar:

NM_017946.4(FKBP14):c.133G>T (p.Gly45Trp)

Genes: FKBP14 (FKBP prolyl isomerase 14; minus strand), FKBP14-AS1 (FKBP14 antisense RNA 1; plus strand). Cytogenetic location: 7p14.3.
Variant type: single nucleotide variant.
Coding change: c.133G>T on transcript NM_017946.4 (MANE Select); coding-DNA position 133, G replaced by T.
Protein change: p.Gly45Trp; replaces glycine 45 with tryptophan.
Molecular consequence: missense variant. On other transcripts: non-coding transcript variant (3).
Genome position (GRCh38, 1-based): chr7:30,026,376, C>A on the plus strand (G>T on the coding strand, the complement: FKBP14 is on the minus strand). VCF-style: chr7-30026376-C-A. GRCh37 (hg19) VCF-style: chr7-30065992-C-A.
Other names: short protein forms G45W.
Identifiers: ClinVar variation 2625795 (VCV002625795.2), dbSNP rs146195079, ClinGen allele CA4203497.

ClinVar aggregate classification (germline): Uncertain significance (1 of 4 stars; one submission).

Conditions:
Cardiovascular phenotype. Identifiers: MedGen CN230736.

Allele frequency attached by ClinVar (database versions not stated): ExAC 0.00001; ESP Exome Variant Server 0.00008.

Submission:

Ambry Genetics
Classification: Uncertain significance for Cardiovascular phenotype. Last evaluated: 2023-07-16. Review status: criteria provided, single submitter. Criteria: Ambry Variant Classification Scheme 2023. Collection method: clinical testing. Allele origin: germline.
Comment: The p.G45W variant (also known as c.133G>T), located in coding exon 1 of the FKBP14 gene, results from a G to T substitution at nucleotide position 133. The glycine at codon 45 is replaced by tryptophan, an amino acid with highly dissimilar properties. This amino acid position is conserved. In addition, this alteration is predicted to be deleterious by in silico analysis. Since supporting evidence is limited at this time, the clinical significance of this alteration remains unclear.